The following is an entry in ClinVar:

ClinVar aggregate classification (germline): Pathogenic (1 of 4 stars; one submission).

Allele frequency attached by ClinVar (database versions not stated): gnomAD exomes below 0.00001; TOPMed below 0.00001; gnomAD 0.00001.

Submission:

Labcorp Genetics (formerly Invitae), Labcorp
Classification: Pathogenic. Last evaluated: 2024-06-06. Review status: criteria provided, single submitter. Criteria: Invitae Variant Classification Sherloc (09022015). Collection method: clinical testing. Allele origin: germline.
Comment: This sequence change creates a premature translational stop signal (p.Ile382Tyrfs*5) in the DONSON gene. It is expected to result in an absent or disrupted protein product. Loss-of-function variants in DONSON are known to be pathogenic (PMID: 28191891, 28630177). This variant is present in population databases (no rsID available, gnomAD 0.1%). This variant has not been reported in the literature in individuals affected with DONSON-related conditions. ClinVar contains an entry for this variant (Variation ID: 1936222). For these reasons, this variant has been classified as Pathogenic.

Literature cited by the submitters: PubMed 28191891; PubMed 28630177.

NM_017613.4(DONSON):c.1142dup (p.Ile382fs)

Gene: DONSON (DNA replication fork stabilization factor DONSON; minus strand). Cytogenetic location: 21q22.11.
Variant type: Duplication.
Coding change: c.1142dup on transcript NM_017613.4 (MANE Select); coding-DNA position 1142, one base duplicated (C; older notation c.1142dupC).
Protein change: p.Ile382fs; shifts the reading frame from isoleucine 382.
Molecular consequence: frameshift variant.
Genome position (GRCh38, 1-based): chr21:33,581,960, G duplicated on the plus strand (C on the coding strand, the reverse complement: DONSON is on the minus strand). VCF-style (leftmost placement, unchanged base first): chr21-33581959-A-AG. GRCh37 (hg19) VCF-style: chr21-34954265-A-AG.
Other names: short protein forms I382fs.
Identifiers: ClinVar variation 1936222 (VCV001936222.5), dbSNP rs1247764954, ClinGen allele CA638053501.